The following is an entry in ClinVar:

NM_005327.7(HADH):c.806C>T (p.Thr269Ile)

Gene: HADH (hydroxyacyl-CoA dehydrogenase; plus strand). Cytogenetic location: 4q25.
Variant type: single nucleotide variant.
Coding change: c.806C>T on transcript NM_005327.7 (MANE Select); coding-DNA position 806, C replaced by T.
Protein change: p.Thr269Ile; replaces threonine 269 with isoleucine.
Molecular consequence: missense variant.
Genome position (GRCh38, 1-based): chr4:108,033,272, C>T. VCF-style: chr4-108033272-C-T. GRCh37 (hg19) VCF-style: chr4-108954428-C-T.
Other names: c.857C>T, p.Thr286Ile (NM_001184705.4); c.818C>T, p.Thr273Ile (NM_001331027.2); short protein forms T269I, T286I, T273I.
Identifiers: ClinVar variation 3672725 (VCV003672725.2).

ClinVar aggregate classification (germline): Uncertain significance (1 of 4 stars; one submission).

Conditions:
Deficiency of 3-hydroxyacyl-CoA dehydrogenase. Also called: HADH DEFICIENCY; 3-hydroxyacyl-CoA dehydrogenase deficiency. Identifiers: Orphanet 309127, Orphanet 71212, MedGen C1291230, MONDO:0017715, OMIM 231530.

Submission:

Labcorp Genetics (formerly Invitae), Labcorp
Classification: Uncertain significance for Deficiency of 3-hydroxyacyl-CoA dehydrogenase. Last evaluated: 2024-10-10. Review status: criteria provided, single submitter. Criteria: Invitae Variant Classification Sherloc (09022015). Collection method: clinical testing. Allele origin: germline.
Comment: This sequence change replaces threonine, which is neutral and polar, with isoleucine, which is neutral and non-polar, at codon 269 of the HADH protein (p.Thr269Ile). This variant is not present in population databases (gnomAD no frequency). This variant has not been reported in the literature in individuals affected with HADH-related conditions. Invitae Evidence Modeling of protein sequence and biophysical properties (such as structural, functional, and spatial information, amino acid conservation, physicochemical variation, residue mobility, and thermodynamic stability) indicates that this missense variant is not expected to disrupt HADH protein function with a negative predictive value of 80%. In summary, the available evidence is currently insufficient to determine the role of this variant in disease. Therefore, it has been classified as a Variant of Uncertain Significance.